The following is an entry in ClinVar:

ClinVar aggregate classification (germline): Uncertain significance (1 of 4 stars; one submission).

Allele frequency attached by ClinVar (database versions not stated): gnomAD exomes below 0.00001.
gnomAD v4.1: 1 of 1,611,994 alleles (0.000062%); highest among the groups gnomAD compares: East Asian, 0.0022%; no homozygotes.

Submission:

GeneDx
Classification: Uncertain significance. Last evaluated: 2019-06-17. Review status: criteria provided, single submitter. Criteria: GeneDx Variant Classification Process June 2021. Collection method: clinical testing. Allele origin: germline. Affected: yes.
Comment: Not observed in large population cohorts (Lek et al., 2016); In silico analysis, which includes protein predictors and evolutionary conservation, supports a deleterious effect; Has not been previously published as pathogenic or benign to our knowledge

NM_052867.4(NALCN):c.4079T>C (p.Val1360Ala)

Gene: NALCN (sodium leak channel, non-selective; minus strand). Cytogenetic location: 13q32.3.
Variant type: single nucleotide variant.
Coding change: c.4079T>C on transcript NM_052867.4 (MANE Select); coding-DNA position 4079, T replaced by C.
Protein change: p.Val1360Ala; replaces valine 1360 with alanine.
Molecular consequence: missense variant.
Genome position (GRCh38, 1-based): chr13:101,074,538, A>G on the plus strand (T>C on the coding strand, the complement: NALCN is on the minus strand). VCF-style: chr13-101074538-A-G. GRCh37 (hg19) VCF-style: chr13-101726889-A-G.
Other names: c.4166T>C, p.Val1389Ala (NM_001350748.2); c.4079T>C, p.Val1360Ala (NM_001350749.2); c.3992T>C, p.Val1331Ala (NM_001350750.2, NM_001350751.2); short protein forms V1331A, V1360A, V1389A.
Identifiers: ClinVar variation 1306438 (VCV001306438.2), dbSNP rs2139471155, ClinGen allele CA388649352.